The following is an entry in ClinVar:

ClinVar aggregate classification (germline): Uncertain significance (1 of 4 stars; one submission).

Conditions:
Pulmonary fibrosis and/or bone marrow failure, Telomere-related, 3. Also called: PULMONARY FIBROSIS AND/OR BONE MARROW FAILURE SYNDROME, TELOMERE-RELATED, 3. Identifiers: Orphanet 2032, MedGen C4225346, MONDO:0014613, OMIM 616373.
Dyskeratosis congenita, autosomal recessive 5 (DKCB5). Identifiers: MedGen C3554656, MONDO:0014076, OMIM 615190.

gnomAD v4.1: 2 of 1,610,818 alleles (0.00012%); highest among the groups gnomAD compares: Non-Finnish European, 0.00017%; no homozygotes.

Submission:

Labcorp Genetics (formerly Invitae), Labcorp
Classification: Uncertain significance for Dyskeratosis congenita, autosomal recessive 5; Pulmonary fibrosis and/or bone marrow failure, Telomere-related, 3. Last evaluated: 2021-05-11. Review status: criteria provided, single submitter. Criteria: Invitae Variant Classification Sherloc (09022015). Collection method: clinical testing. Allele origin: germline.
Comment: This variant is not present in population databases (ExAC no frequency). This variant has not been reported in the literature in individuals with RTEL1-related conditions. Algorithms developed to predict the effect of sequence changes on RNA splicing suggest that this variant is not likely to affect RNA splicing, but this prediction has not been confirmed by published transcriptional studies. In summary, the available evidence is currently insufficient to determine the role of this variant in disease. Therefore, it has been classified as a Variant of Uncertain Significance. This sequence change affects codon 714 of the RTEL1 mRNA. It is a 'silent' change, meaning that it does not change the encoded amino acid sequence of the RTEL1 protein.

NM_001283009.2(RTEL1):c.2142G>A (p.Arg714=)

Genes: RTEL1 (regulator of telomere elongation helicase 1; plus strand), RTEL1-TNFRSF6B (RTEL1-TNFRSF6B readthrough (NMD candidate); plus strand). Cytogenetic location: 20q13.33.
Variant type: single nucleotide variant.
Coding change: c.2142G>A on transcript NM_001283009.2 (MANE Select); coding-DNA position 2142, G replaced by A.
Protein change: p.Arg714=; no amino-acid change (arginine 714 retained).
Molecular consequence: synonymous variant. On other transcripts: non-coding transcript variant (1).
Genome position (GRCh38, 1-based): chr20:63,690,087, G>A. VCF-style: chr20-63690087-G-A. GRCh37 (hg19) VCF-style: chr20-62321440-G-A.
Other names: c.1473G>A, p.Arg491= (NM_001283010.1); c.2142G>A, p.Arg714= (NM_016434.4); c.2214G>A, p.Arg738= (NM_032957.5).
Identifiers: ClinVar variation 1468881 (VCV001468881.8), dbSNP rs2145430556, ClinGen allele CA511661045.